The following is an entry in ClinVar:

NM_024422.6(DSC2):c.1777G>T (p.Glu593Ter)

Gene: DSC2 (desmocollin 2; minus strand). Cytogenetic location: 18q12.1.
Variant type: single nucleotide variant.
Coding change: c.1777G>T on transcript NM_024422.6 (MANE Select); coding-DNA position 1777, G replaced by T.
Protein change: p.Glu593Ter; replaces glutamic acid 593 with a stop codon.
Molecular consequence: nonsense.
Genome position (GRCh38, 1-based): chr18:31,074,794, C>A on the plus strand (G>T on the coding strand, the complement: DSC2 is on the minus strand). VCF-style: chr18-31074794-C-A. GRCh37 (hg19) VCF-style: chr18-28654760-C-A.
Other names: c.1348G>T, p.Glu450Ter (NM_001406506.1, NM_001406507.1); c.1777G>T, p.Glu593Ter (NM_004949.5); short protein forms E450*, E593*.
Identifiers: ClinVar variation 1779905 (VCV001779905.6), dbSNP rs1986957498, ClinGen allele CA402114058.
Genomic context (GRCh38, chr18:31,074,794, plus strand): 5'-CCAGACTAAAGTCAAAGGGTGGGCCATGGATAGGCTCATCAGGATCAACCGCAACAATCT[C>A]CGCAGATGACATGGTGGGTTTGCAGATGATCACTGTCTTTTTAGGTATGAATGGGCTGTT-3'

ClinVar aggregate classification (germline): Pathogenic. Review status: criteria provided, multiple submitters, no conflicts (2 of 4 stars). 3 submissions from 3 submitters: Pathogenic (3). Last evaluated 2026-06-22.

Conditions:
Cardiovascular phenotype. Identifiers: MedGen CN230736.
Arrhythmogenic right ventricular dysplasia 11. Also called: Arrhythmogenic Right Ventricular Dysplasia/Cardiomyopathy11; ARRHYTHMOGENIC RIGHT VENTRICULAR DYSPLASIA, FAMILIAL, 11; Arrhythmogenic right ventricular dysplasia 11 with mild palmoplantar keratoderma and woolly hair. Identifiers: MedGen C1864850, MONDO:0012506, OMIM 610476.

Submissions (3):

Ambry Genetics
Classification: Pathogenic for Cardiovascular phenotype. Last evaluated: 2026-06-22. Review status: criteria provided, single submitter. Criteria: Ambry Variant Classification Scheme 2023. Collection method: clinical testing. Allele origin: germline.
Comment: The c.1777G>T (p.E593*) alteration, located in exon 12 (coding exon 12) of the DSC2 gene, consists of a G to T substitution at nucleotide position 1777. This changes the amino acid from a glutamic acid (E) to a stop codon at amino acid position 593. This variant is expected to result in loss of function by premature protein truncation or nonsense-mediated mRNA decay. This variant was not reported in population-based cohorts in the Genome Aggregation Database (gnomAD). Based on the available evidence, this alteration is classified as pathogenic.

Labcorp Genetics (formerly Invitae), Labcorp
Classification: Pathogenic for Arrhythmogenic right ventricular dysplasia 11. Last evaluated: 2025-02-26. Review status: criteria provided, single submitter. Criteria: Invitae Variant Classification Sherloc (09022015). Collection method: clinical testing. Allele origin: germline.
Comment: This sequence change creates a premature translational stop signal (p.Glu593*) in the DSC2 gene. It is expected to result in an absent or disrupted protein product. Loss-of-function variants in DSC2 are known to be pathogenic (PMID: 23911551). This variant is not present in population databases (gnomAD no frequency). This variant has not been reported in the literature in individuals affected with DSC2-related conditions. ClinVar contains an entry for this variant (Variation ID: 1779905). For these reasons, this variant has been classified as Pathogenic.

GeneDx
Classification: Pathogenic. Last evaluated: 2024-08-07. Review status: criteria provided, single submitter. Criteria: GeneDx Variant Classification Process June 2021. Collection method: clinical testing. Allele origin: germline. Affected: yes.
Comment: Nonsense variant predicted to result in protein truncation or nonsense mediated decay in a gene for which loss of function is a known mechanism of disease; Not observed at significant frequency in large population cohorts (gnomAD); Has not been reported in association with ARVC in published literature; This variant is associated with the following publications: (PMID: 33968641)

Literature cited by the submitters: PubMed 23911551 (cited by Labcorp Genetics (formerly Invitae), Labcorp).